The following is an entry in ClinVar:

ClinVar aggregate classification (germline): Uncertain significance (1 of 4 stars; one submission).

Conditions:
Wilson disease (WND). Also called: Wilson's disease. Identifiers: Orphanet 905, MedGen C0019202, MONDO:0010200, OMIM 277900. Disease mechanism: loss of function.

gnomAD v4.1: 1 of 1,613,890 alleles (0.000062%); no homozygotes.

Submission:

All of Us Research Program, National Institutes of Health
Classification: Uncertain significance for Wilson disease. Last evaluated: 2024-05-14. Review status: criteria provided, single submitter. Criteria: ACMG Guidelines, 2015. Collection method: clinical testing. Allele origin: germline. Inheritance: Autosomal recessive inheritance. Observed: 1 variant allele, 1 heterozygote.
Comment: This variant is located in the ATP7B protein. To our knowledge, functional studies have not been reported for this variant. This variant has not been reported in individuals affected with ATP7B-related disorders in the literature. This variant has not been identified in the general population by the Genome Aggregation Database (gnomAD). The available evidence is insufficient to determine the role of this variant in disease conclusively. Therefore, this variant is classified as a Variant of Uncertain Significance.

This study involves interpretation of variants in research participants for the purpose of population health screening. Participant phenotype was not available at the time of variant classification. Additional details can be found in publication PMID: 35346344, PMCID: PMC8962531

NM_000053.4(ATP7B):c.2112C>G (p.Thr704=)

Gene: ATP7B (ATPase copper transporting beta; minus strand). Cytogenetic location: 13q14.3.
Variant type: single nucleotide variant.
Coding change: c.2112C>G on transcript NM_000053.4 (MANE Select); coding-DNA position 2112, C replaced by G.
Protein change: p.Thr704=; no amino-acid change (threonine 704 retained).
Molecular consequence: synonymous variant. On other transcripts: intron variant (13).
Genome position (GRCh38, 1-based): chr13:51,960,157, G>C on the plus strand (C>G on the coding strand, the complement: ATP7B is on the minus strand). VCF-style: chr13-51960157-G-C. GRCh37 (hg19) VCF-style: chr13-52534293-G-C.
Other names: c.1779C>G, p.Thr593= (NM_001243182.2); c.2112C>G, p.Thr704= (NM_001330578.2, NM_001406511.1, NM_001406512.1 and 16 more transcripts); c.2079C>G, p.Thr693= (NM_001406514.1, NM_001406524.1); c.2016C>G, p.Thr672= (NM_001406517.1, NM_001406518.1, NM_001406530.1 and 1 more transcripts); c.1683C>G, p.Thr561= (NM_001406539.1); c.1870-2550C>G (NM_001406541.1, NM_001005918.3, NM_001406546.1 and 1 more transcripts); c.1870-1613C>G (NM_001406531.1, NM_001406532.1, NM_001406540.1 and 1 more transcripts); c.1774-1613C>G (NM_001406543.1); and 3 more.
Identifiers: ClinVar variation 3385453 (VCV003385453.1).